The following is an entry in ClinVar:

NM_018180.3(DHX32):c.1417A>C (p.Asn473His)

Genes: BCCIP (BRCA2 and CDKN1A interacting protein; plus strand), DHX32 (DEAH-box helicase 32 (putative); minus strand). Cytogenetic location: 10q26.2.
Variant type: single nucleotide variant.
Coding change: c.1417A>C on transcript NM_018180.3 (MANE Select); coding-DNA position 1417, A replaced by C.
Protein change: p.Asn473His; replaces asparagine 473 with histidine.
Molecular consequence: missense variant. On other transcripts: 3 prime UTR variant (1), intron variant (1).
Genome position (GRCh38, 1-based): chr10:125,841,869, T>G on the plus strand (A>C on the coding strand, the complement: DHX32 is on the minus strand). VCF-style: chr10-125841869-T-G. GRCh37 (hg19) VCF-style: chr10-127530438-T-G.
Other names: c.*510T>G (NM_078469.3); c.850+539T>G (NM_016567.4); short protein forms N473H.
Identifiers: ClinVar variation 2226022 (VCV002226022.4), dbSNP rs756666817, ClinGen allele CA5739187.

ClinVar aggregate classification (germline): Uncertain significance. Review status: criteria provided, multiple submitters, no conflicts (2 of 4 stars). 2 submissions from 2 submitters: Uncertain significance (2). Last evaluated 2025-07-06.

Allele frequency attached by ClinVar (database versions not stated): gnomAD exomes 0.00002; gnomAD 0.00003; ExAC 0.00006.
gnomAD v4.1: 32 of 1,613,770 alleles (0.002%); highest among the groups gnomAD compares: South Asian, 0.031%; no homozygotes.

Submissions (2):

Labcorp Genetics (formerly Invitae), Labcorp
Classification: Uncertain significance. Last evaluated: 2025-07-06. Review status: criteria provided, single submitter. Criteria: Invitae Variant Classification Sherloc (09022015). Collection method: clinical testing. Allele origin: germline.
Comment: This sequence change replaces asparagine, which is neutral and polar, with histidine, which is basic and polar, at codon 473 of the DHX32 protein (p.Asn473His). This variant is present in population databases (rs756666817, gnomAD 0.03%). This variant has not been reported in the literature in individuals affected with DHX32-related conditions. ClinVar contains an entry for this variant (Variation ID: 2226022). An algorithm developed to predict the effect of missense changes on protein structure and function (PolyPhen-2) suggests that this variant is likely to be disruptive. In summary, the available evidence is currently insufficient to determine the role of this variant in disease. Therefore, it has been classified as a Variant of Uncertain Significance.

Ambry Genetics
Classification: Uncertain significance. Last evaluated: 2022-08-16. Review status: criteria provided, single submitter. Criteria: Ambry Variant Classification Scheme 2023. Collection method: clinical testing. Allele origin: germline.